The following is an entry in ClinVar:

NM_001394372.1(BICRA):c.951C>T (p.Thr317=)

Gene: BICRA (BRD4 interacting chromatin remodeling complex associated protein; plus strand). Cytogenetic location: 19q13.33.
Variant type: single nucleotide variant.
Coding change: c.951C>T on transcript NM_001394372.1 (MANE Select); coding-DNA position 951, C replaced by T.
Protein change: p.Thr317=; no amino-acid change (threonine 317 retained).
Molecular consequence: synonymous variant.
Genome position (GRCh38, 1-based): chr19:47,680,121, C>T. VCF-style: chr19-47680121-C-T. GRCh37 (hg19) VCF-style: chr19-48183378-C-T.
Other names: c.951C>T, p.Thr317= (NM_015711.3).
Identifiers: ClinVar variation 4083988 (VCV004083988.9).

ClinVar aggregate classification (germline): Likely benign. Review status: criteria provided, multiple submitters, no conflicts (2 of 4 stars). 2 submissions from 2 submitters: Likely benign (2). Last evaluated 2025-07-01.

gnomAD v4.1: 649 of 1,532,202 alleles (0.042%); highest among the groups gnomAD compares: African/African-American, 0.8%; 2 homozygotes.

Submissions (2):

CeGaT Center for Human Genetics Tuebingen
Classification: Likely benign. Last evaluated: 2025-07-01. Review status: criteria provided, single submitter. Criteria: CeGaT Center For Human Genetics Tuebingen Variant Classification Criteria Version 2. Collection method: clinical testing. Allele origin: germline. Affected: yes. Observed: 1 variant allele.
Comment: BICRA: BP4, BP7

Blueprint Genetics
Classification: Likely benign. Last evaluated: 2024-10-22. Review status: criteria provided, single submitter. Criteria: ACMG Guidelines, 2015. Collection method: clinical testing. Allele origin: germline.